The following is an entry in ClinVar:

ClinVar aggregate classification (germline): Uncertain significance (1 of 4 stars; one submission).

Conditions:
Inborn genetic diseases. Identifiers: MedGen C0950123, MeSH D030342.

gnomAD v4.1: 25 of 1,613,048 alleles (0.0015%); highest among the groups gnomAD compares: South Asian, 0.0033%; no homozygotes.

Submission:

Ambry Genetics
Classification: Uncertain significance for Inborn genetic diseases. Last evaluated: 2025-10-15. Review status: criteria provided, single submitter. Criteria: Ambry Variant Classification Scheme 2023. Collection method: clinical testing. Allele origin: germline.
Comment: The c.1826G>A (p.R609H) alteration is located in exon 11 (coding exon 10) of the SLC20A2 gene. This alteration results from a G to A substitution at nucleotide position 1826, causing the arginine (R) at amino acid position 609 to be replaced by a histidine (H). Based on data from gnomAD, the A allele has an overall frequency of 0.002% (4/250076) total alleles studied. The highest observed frequency was 0.007% (2/30596) of South Asian alleles. Based on insufficient or conflicting evidence, the clinical significance of this alteration remains unclear.

NM_001257180.2(SLC20A2):c.1826G>A (p.Arg609His)

Gene: SLC20A2 (solute carrier family 20 member 2; minus strand). Cytogenetic location: 8p11.21.
Variant type: single nucleotide variant.
Coding change: c.1826G>A on transcript NM_001257180.2 (MANE Select); coding-DNA position 1826, G replaced by A.
Protein change: p.Arg609His; replaces arginine 609 with histidine.
Molecular consequence: missense variant.
Genome position (GRCh38, 1-based): chr8:42,417,936, C>T on the plus strand (G>A on the coding strand, the complement: SLC20A2 is on the minus strand). VCF-style: chr8-42417936-C-T. GRCh37 (hg19) VCF-style: chr8-42275454-C-T.
Other names: c.1826G>A, p.Arg609His (NM_001257181.2, NM_006749.5); short protein forms R609H.
Identifiers: ClinVar variation 4631070 (VCV004631070.1).